The following is an entry in ClinVar:

ClinVar aggregate classification (germline): Benign/Likely benign. Review status: criteria provided, multiple submitters, no conflicts (2 of 4 stars). 7 submissions from 6 submitters: Benign (2); Likely benign (5). Last evaluated 2025-12-14.

Conditions:
Macrothrombocytopenia and granulocyte inclusions with or without nephritis or sensorineural hearing loss (MATINS). Also called: BLEEDING DISORDER, PLATELET-TYPE, 6; DOHLE LEUKOCYTE INCLUSIONS WITH GIANT PLATELETS; MACROTHROMBOCYTOPENIA WITH LEUKOCYTE INCLUSIONS; SEBASTIAN PLATELET SYNDROME; MACROTHROMBOCYTOPENIA WITH DISPERSED LEUKOCYTIC INCLUSIONS; MACROTHROMBOCYTOPENIA, NEPHRITIS, AND DEAFNESS. Identifiers: Orphanet 182050, MedGen C5200934, MONDO:0015912, OMIM 155100.
Autosomal dominant nonsyndromic hearing loss 17. Also called: Deafness, autosomal dominant 17; Autosomal dominant nonsyndromic deafness 17. Identifiers: Orphanet 90635, MedGen C1863659, MONDO:0011350, OMIM 603622.
MYH9-related disorder. Identifiers: MedGen C1854520.

Allele frequency attached by ClinVar (database versions not stated): TOPMed 0.00036; ESP Exome Variant Server 0.00038; gnomAD 0.00039 and 0.00044; ExAC 0.00051; 1000 Genomes Project 0.00140; 1000 Genomes Project 30x 0.00141.
gnomAD v4.1: 511 of 1,612,878 alleles (0.032%); highest among the groups gnomAD compares: Middle Eastern, 0.23%; 3 homozygotes.

Submissions (7):

Labcorp Genetics (formerly Invitae), Labcorp
Classification: Benign. Last evaluated: 2025-12-14. Review status: criteria provided, single submitter. Criteria: Invitae Variant Classification Sherloc (09022015). Collection method: clinical testing. Allele origin: germline.

Blueprint Genetics
Classification: Likely benign. Last evaluated: 2024-11-01. Review status: criteria provided, single submitter. Criteria: ACMG Guidelines, 2015. Collection method: clinical testing. Allele origin: germline.

ARUP Laboratories, Molecular Genetics and Genomics, ARUP Laboratories
Classification: Likely benign. Last evaluated: 2024-09-24. Review status: criteria provided, single submitter. Criteria: ARUP Molecular Germline Variant Investigation Process 2024. Collection method: clinical testing. Allele origin: germline.

Fulgent Genetics
Classification: Likely benign for Macrothrombocytopenia and granulocyte inclusions with or without nephritis or sensorineural hearing loss; Autosomal dominant nonsyndromic hearing loss 17. Last evaluated: 2021-11-10. Review status: criteria provided, single submitter. Criteria: ACMG Guidelines, 2015. Collection method: clinical testing. Allele origin: unknown.

Illumina Laboratory Services, Illumina
Classification: Likely benign for Autosomal dominant nonsyndromic hearing loss 17. Last evaluated: 2018-01-12. Review status: criteria provided, single submitter. Criteria: ICSL Variant Classification Criteria 13 December 2019. Collection method: clinical testing. Allele origin: germline.
Comment: This variant was observed in the ICSL laboratory as part of a predisposition screen in an ostensibly healthy population. It had not been previously curated by ICSL or reported in the Human Gene Mutation Database (HGMD: prior to June 1st, 2018), and was therefore a candidate for classification through an automated scoring system. Utilizing variant allele frequency, disease prevalence and penetrance estimates, and inheritance mode, an automated score was calculated to assess if this variant is too frequent to cause the disease. Based on the score and internal cut-off values, a variant classified as likely benign is not then subjected to further curation. The score for this variant resulted in a classification of likely benign for this disease.

Illumina Laboratory Services, Illumina
Classification: Benign for MYH9-related disorder. Last evaluated: 2018-01-12. Review status: criteria provided, single submitter. Criteria: ICSL Variant Classification Criteria 13 December 2019. Collection method: clinical testing. Allele origin: germline.
Comment: This variant was observed in the ICSL laboratory as part of a predisposition screen in an ostensibly healthy population. It had not been previously curated by ICSL or reported in the Human Gene Mutation Database (HGMD: prior to June 1st, 2018), and was therefore a candidate for classification through an automated scoring system. Utilizing variant allele frequency, disease prevalence and penetrance estimates, and inheritance mode, an automated score was calculated to assess if this variant is too frequent to cause the disease. Based on the score and internal cut-off values, a variant classified as benign is not then subjected to further curation. The score for this variant resulted in a classification of benign for this disease.

Laboratory for Molecular Medicine, Mass General Brigham Personalized Medicine
Classification: Likely benign. Last evaluated: 2016-06-23. Review status: criteria provided, single submitter. Criteria: LMM Criteria. Collection method: clinical testing. Allele origin: germline. Observed: 3 variant alleles.
Comment: c.769+15C>T in intron 07 of MYH9: This variant is not expected to have clinical significance because it is not located within the conserved splice consensus seq uence and has been identified in 39/66728 of European chromosomes and in 16/1157 8 Latino chromosomes by the Exome Aggregation Consortium (ExAC; dbSNP rs201691359).

NM_002473.6(MYH9):c.769+15C>T

Gene: MYH9 (myosin heavy chain 9; minus strand). Cytogenetic location: 22q12.3.
Variant type: single nucleotide variant.
Coding change: c.769+15C>T on transcript NM_002473.6 (MANE Select); 15 bases into the intron after coding-DNA position 769, C replaced by T.
Molecular consequence: intron variant.
Genome position (GRCh38, 1-based): chr22:36,321,743, G>A on the plus strand (C>T on the coding strand, the complement: MYH9 is on the minus strand). VCF-style: chr22-36321743-G-A. GRCh37 (hg19) VCF-style: chr22-36717788-G-A.
Identifiers: ClinVar variation 178437 (VCV000178437.18), dbSNP rs201691359, ClinGen allele CA182332.